The following is an entry in ClinVar:

ClinVar aggregate classification (germline): Uncertain significance (1 of 4 stars; one submission).

Conditions:
Oxoglutaricaciduria. Identifiers: Orphanet 31, MedGen C2752074, MONDO:0008759, OMIM 203740.

Allele frequency attached by ClinVar (database versions not stated): gnomAD exomes 0.00002.

Submission:

Labcorp Genetics (formerly Invitae), Labcorp
Classification: Uncertain significance for Oxoglutaricaciduria. Last evaluated: 2022-09-28. Review status: criteria provided, single submitter. Criteria: Invitae Variant Classification Sherloc (09022015). Collection method: clinical testing. Allele origin: germline.
Comment: This variant has not been reported in the literature in individuals affected with OGDH-related conditions. This sequence change replaces valine, which is neutral and non-polar, with alanine, which is neutral and non-polar, at codon 945 of the OGDH protein (p.Val945Ala). This variant is present in population databases (no rsID available, gnomAD 0.003%). Algorithms developed to predict the effect of missense changes on protein structure and function output the following: SIFT: "Tolerated"; PolyPhen-2: "Benign"; Align-GVGD: "Class C0". The alanine amino acid residue is found in multiple mammalian species, which suggests that this missense change does not adversely affect protein function. In summary, the available evidence is currently insufficient to determine the role of this variant in disease. Therefore, it has been classified as a Variant of Uncertain Significance.

NM_002541.4(OGDH):c.2834T>C (p.Val945Ala)

Gene: OGDH (oxoglutarate dehydrogenase; plus strand). Cytogenetic location: 7p13.
Variant type: single nucleotide variant.
Coding change: c.2834T>C on transcript NM_002541.4 (MANE Select); coding-DNA position 2834, T replaced by C.
Protein change: p.Val945Ala; replaces valine 945 with alanine.
Molecular consequence: missense variant.
Genome position (GRCh38, 1-based): chr7:44,707,619, T>C. VCF-style: chr7-44707619-T-C. GRCh37 (hg19) VCF-style: chr7-44747218-T-C.
Other names: c.2822T>C, p.Val941Ala (NM_001165036.2); c.2867T>C, p.Val956Ala (NM_001363523.2); short protein forms V941A, V956A, V945A.
Identifiers: ClinVar variation 2170455 (VCV002170455.4), dbSNP rs1258465524, ClinGen allele CA367407415.